The following is an entry in ClinVar:

ClinVar aggregate classification (germline): Pathogenic (1 of 4 stars; one submission).

Conditions:
Inborn genetic diseases. Identifiers: MedGen C0950123, MeSH D030342.

Submission:

Ambry Genetics
Classification: Pathogenic for Inborn genetic diseases. Last evaluated: 2022-12-28. Review status: criteria provided, single submitter. Criteria: Ambry Variant Classification Scheme 2023. Collection method: clinical testing. Allele origin: germline.
Comment: The c.313_317delAACCCinsG (p.N105Gfs*18) alteration, located in exon 2 (coding exon 2) of the WARS2 gene, consists of a deletion of 5 and insertion of 1 nucleotides causing a translational frameshift at position 313 with a predicted alternate stop codon after 18 amino acids. This alteration is expected to result in loss of function by premature protein truncation or nonsense-mediated mRNA decay. This variant was not reported in population-based cohorts in the Genome Aggregation Database (gnomAD). Based on the available evidence, this alteration is classified as pathogenic.

NM_015836.4(WARS2):c.313_317delinsG (p.Asn105fs)

Gene: WARS2 (tryptophanyl tRNA synthetase 2, mitochondrial; minus strand). Cytogenetic location: 1p12.
Variant type: Indel.
Coding change: c.313_317delinsG on transcript NM_015836.4 (MANE Select); coding-DNA positions 313 to 317, AACCC replaced by G.
Protein change: p.Asn105fs; shifts the reading frame from asparagine 105.
Molecular consequence: frameshift variant. On other transcripts: intron variant (2).
Genome position (GRCh38, 1-based): chr1:119,076,381-119,076,385, GGGTT replaced by C on the plus strand (AACCC replaced by G on the coding strand, the reverse complement: WARS2 is on the minus strand). VCF-style: chr1-119076381-GGGTT-C. GRCh37 (hg19) VCF-style: chr1-119619004-GGGTT-C.
Other names: c.244_248delinsG, p.Asn82fs (NM_001378226.1, NM_001378227.1); c.31_35delinsG, p.Asn11fs (NM_001378230.1); c.313_317delinsG, p.Asn105fs (NM_001378231.1, NM_201263.2); c.91-30723_91-30719delinsG (NM_001378229.1); c.177+136_177+140delinsG (NM_001378228.1); short protein forms N105fs, N82fs, N11fs.
Identifiers: ClinVar variation 2339126 (VCV002339126.2), dbSNP rs2525266189, ClinGen allele CA2580060882.